The following is an entry in ClinVar:

ClinVar aggregate classification (germline): Pathogenic. Review status: reviewed by expert panel (3 of 4 stars). 3 submissions from 3 submitters: Pathogenic (1). 2 of the submissions do not count toward it. Last evaluated 2017-12-15.

Conditions:
Familial cancer of breast. Also called: hereditary breast carcinoma; BREAST CANCER, FAMILIAL; Hereditary breast cancer. Identifiers: Orphanet 227535, MedGen C0346153, MONDO:0016419, OMIM 114480. Disease mechanism: loss of function.
Breast-ovarian cancer, familial, susceptibility to, 1 (BROVCA1). Also called: BRCA1 Hereditary Breast and Ovarian Cancer; OVARIAN CANCER, SUSCEPTIBILITY TO. Identifiers: Orphanet 145, MedGen C2676676, MONDO:0011450, OMIM 604370. Disease mechanism: loss of function.

Submissions (3):

Evidence-based Network for the Interpretation of Germline Mutant Alleles (ENIGMA)
Classification: Pathogenic for Breast-ovarian cancer, familial, susceptibility to, 1. Last evaluated: 2017-12-15. Review status: reviewed by expert panel. Criteria: ENIGMA BRCA1/2 Classification Criteria (2017-06-29). Collection method: curation. Allele origin: germline. Study: ENIGMA.
Comment: Variant allele predicted to encode a truncated non-functional protein.

Myriad Genetics, Inc.
Classification: Pathogenic for Breast-ovarian cancer, familial, susceptibility to, 1. Last evaluated: 2024-10-15. Review status: criteria provided, single submitter. Criteria: Myriad Autosomal Dominant, Autosomal Recessive and X-Linked Classification Criteria (2023). Collection method: clinical testing. Allele origin: unknown. Not counted in ClinVar's aggregate classification.
Comment: This variant is considered pathogenic. This variant creates a frameshift predicted to result in premature protein truncation.

ClinVar Staff, National Center for Biotechnology Information (NCBI)
No classification provided. Condition: Familial cancer of breast. Review status: no classification provided. Collection method: literature only. Allele origin: germline. Affected: yes. Not counted in ClinVar's aggregate classification.

Literature cited by the submitters: PubMed 11595708 (cited by ClinVar Staff, National Center for Biotechnology Information (NCBI)).

NM_007294.4(BRCA1):c.5207del (p.Val1736fs)

Gene: BRCA1 (BRCA1 DNA repair associated; minus strand). Cytogenetic location: 17q21.31.
Variant type: Deletion.
Coding change: c.5207del on transcript NM_007294.4 (MANE Select); coding-DNA position 5207, one base deleted (T; older notation c.5207delT).
Protein change: p.Val1736fs; shifts the reading frame from valine 1736.
Molecular consequence: frameshift variant. On other transcripts: non-coding transcript variant (1).
Genome position (GRCh38, 1-based): chr17:43,057,122, A deleted on the plus strand (T on the coding strand, the reverse complement: BRCA1 is on the minus strand). VCF-style (leftmost placement, unchanged base first): chr17-43057121-GA-G. GRCh37 (hg19) VCF-style: chr17-41209138-GA-G.
Other names: c.1772delT, p.Val591Alafs (NM_001408434.1, NM_001408435.1, NM_001408436.1 and 10 more transcripts); c.1769delT, p.Val590Alafs (NM_001408445.1, NM_001408446.1, NM_001408447.1 and 2 more transcripts); c.1763delT, p.Val588Alafs (NM_001408451.1); c.1757delT, p.Val586Alafs (NM_001408452.1, NM_001408453.1, NM_001408454.1 and 3 more transcripts); c.1754delT, p.Val585Alafs (NM_001408458.1, NM_001408459.1, NM_001408460.1 and 7 more transcripts); c.1751delT, p.Val584Alafs (NM_001408468.1, NM_001408469.1, NM_001408470.1); c.1895delT, p.Val632Alafs (NM_001408472.1, NM_007298.4, NM_007304.2 and 12 more transcripts); c.1892delT, p.Val631Alafs (NM_001408473.1, NM_001408392.1, NM_001408396.1 and 8 more transcripts); and 75 more; short protein forms V1689fs, V1757fs, V1736fs, V632fs.
Identifiers: ClinVar variation 55457 (VCV000055457.4), dbSNP rs397509239, ClinGen allele CA003356.